The following is an entry in ClinVar:

ClinVar aggregate classification (germline): Uncertain significance (1 of 4 stars; one submission).

Conditions:
Ataxia-telangiectasia syndrome (AT). Also called: ATAXIA-TELANGIECTASIA, COMPLEMENTATION GROUP A; ATAXIA-TELANGIECTASIA, FRESNO VARIANT; Ataxia-telangiectasia; Ataxia-telangiectasia, complementation group D; AT, COMPLEMENTATION GROUP C; Ataxia-telangiectasia, complementation group E. Identifiers: Orphanet 100, MedGen C0004135, MONDO:0008840, OMIM 208900.

Submission:

Labcorp Genetics (formerly Invitae), Labcorp
Classification: Uncertain significance for Ataxia-telangiectasia syndrome. Last evaluated: 2019-11-25. Review status: criteria provided, single submitter. Criteria: Invitae Variant Classification Sherloc (09022015). Collection method: clinical testing. Allele origin: germline.
Comment: In summary, the available evidence is currently insufficient to determine the role of this variant in disease. Therefore, it has been classified as a Variant of Uncertain Significance. Algorithms developed to predict the effect of missense changes on protein structure and function are either unavailable or do not agree on the potential impact of this missense change (SIFT: "Deleterious"; PolyPhen-2: "Probably Damaging"; Align-GVGD: "Class C15"). This variant has not been reported in the literature in individuals with ATM-related conditions. This variant is not present in population databases (ExAC no frequency). This sequence change replaces leucine with phenylalanine at codon 2850 of the ATM protein (p.Leu2850Phe). The leucine residue is highly conserved and there is a small physicochemical difference between leucine and phenylalanine.

NM_000051.4(ATM):c.8550G>T (p.Leu2850Phe)

Genes: ATM (ATM serine/threonine kinase; plus strand), C11orf65 (chromosome 11 open reading frame 65; minus strand). Cytogenetic location: 11q22.3.
Variant type: single nucleotide variant.
Coding change: c.8550G>T on transcript NM_000051.4 (MANE Select); coding-DNA position 8550, G replaced by T.
Protein change: p.Leu2850Phe; replaces leucine 2850 with phenylalanine.
Molecular consequence: missense variant. On other transcripts: intron variant (2).
Genome position (GRCh38, 1-based): chr11:108,345,874, G>T. VCF-style: chr11-108345874-G-T. GRCh37 (hg19) VCF-style: chr11-108216601-G-T.
Other names: c.8550G>T, p.Leu2850Phe (NM_001351834.2); c.641-36803C>A (NM_001330368.2); c.695-10582C>A (NM_001351110.2); short protein forms L2850F.
Identifiers: ClinVar variation 834859 (VCV000834859.10), dbSNP rs1591265370, ClinGen allele CA382518459.
Genomic context (GRCh38, chr11:108,345,874, plus strand): 5'-TTTCCGTTACTTCTGCATGGAAAAATTCTTGGATCCAGCTATTTGGTTTGAGAAGCGATT[G>T]GCTTATACGCGCAGTGTAGCTACTTCTTCTATTGGTAATCTTCTTGTACATATAGTAGAT-3'
Protein context (NP_000042.3, residues 2840-2860): LDPAIWFEKR[Leu2850Phe]AYTRSVATSS